The following is an entry in ClinVar:

ClinVar aggregate classification (germline): Likely benign. Review status: reviewed by expert panel (3 of 4 stars). 7 submissions from 7 submitters: Likely benign (1). 6 of the submissions do not count toward it. Last evaluated 2017-06-29.

Conditions:
Hereditary cancer-predisposing syndrome. Also called: Hereditary neoplastic syndrome; Hereditary Cancer Syndrome; Neoplastic Syndromes, Hereditary; Tumor predisposition. Identifiers: Orphanet 140162, MedGen C0027672, MeSH D009386, MONDO:0015356.
Hereditary breast ovarian cancer syndrome. Also called: Hereditary breast and ovarian cancer syndrome; BRCA1- and BRCA2-Associated Hereditary Breast and Ovarian Cancer; Hereditary breast and/or ovarian cancer syndrome; Hereditary breast and ovarian cancer; Breast and ovarian cancer; Hereditary breast and ovarian cancer syndrome (HBOC). Identifiers: Orphanet 145, MedGen C0677776, MeSH D061325, MONDO:0003582. Disease mechanism: loss of function.
Breast-ovarian cancer, familial, susceptibility to, 2 (BROVCA2). Also called: BRCA2 Hereditary Breast and Ovarian Cancer. Identifiers: Orphanet 145, MedGen C2675520, MONDO:0012933, OMIM 612555. Disease mechanism: loss of function.

Allele frequency attached by ClinVar (database versions not stated): gnomAD exomes 0.00001; ExAC 0.00002.
gnomAD v4.1: 5 of 1,614,174 alleles (0.00031%); highest among the groups gnomAD compares: Non-Finnish European, 0.00042%; no homozygotes.

Submissions (7):

Evidence-based Network for the Interpretation of Germline Mutant Alleles (ENIGMA)
Classification: Likely benign for Breast-ovarian cancer, familial, susceptibility to, 2. Last evaluated: 2017-06-29. Review status: reviewed by expert panel. Criteria: ENIGMA BRCA1/2 Classification Criteria (2017-06-29). Collection method: curation. Allele origin: germline.
Comment: Synonymous substitution variant, with low bioinformatic likelihood to result in a splicing aberration (Splicing prior probability 0.02).

Labcorp Genetics (formerly Invitae), Labcorp
Classification: Likely benign for Hereditary breast ovarian cancer syndrome. Last evaluated: 2025-05-06. Review status: criteria provided, single submitter. Criteria: Invitae Variant Classification Sherloc (09022015). Collection method: clinical testing. Allele origin: germline. Not counted in ClinVar's aggregate classification.

All of Us Research Program, National Institutes of Health
Classification: Likely benign for Breast-ovarian cancer, familial, susceptibility to, 2. Last evaluated: 2023-06-08. Review status: criteria provided, single submitter. Criteria: ACMG Guidelines, 2015. Collection method: clinical testing. Allele origin: germline. Inheritance: Autosomal dominant inheritance. Observed: 1 variant allele, 1 heterozygote. Not counted in ClinVar's aggregate classification.
Comment: This study involves interpretation of variants in research participants for the purpose of population health screening. Participant phenotype was not available at the time of variant classification. Additional details can be found in publication PMID: 35346344, PMCID: PMC8962531

Color Diagnostics, LLC DBA Color Health
Classification: Likely benign for Hereditary cancer-predisposing syndrome. Last evaluated: 2023-05-17. Review status: criteria provided, single submitter. Criteria: ACMG Guidelines, 2015. Collection method: clinical testing. Allele origin: germline. Not counted in ClinVar's aggregate classification.

Quest Diagnostics Nichols Institute San Juan Capistrano
Classification: Likely benign. Last evaluated: 2020-10-09. Review status: criteria provided, single submitter. Criteria: Quest Diagnostics criteria. Collection method: clinical testing. Allele origin: unknown. Not counted in ClinVar's aggregate classification.

Ambry Genetics
Classification: Likely benign for Hereditary cancer-predisposing syndrome. Last evaluated: 2020-08-11. Review status: criteria provided, single submitter. Criteria: Ambry Variant Classification Scheme 2023. Collection method: clinical testing. Allele origin: germline. Not counted in ClinVar's aggregate classification.

BRCAlab, Lund University
Classification: Likely benign for Breast-ovarian cancer, familial, susceptibility to, 2. Last evaluated: 2020-03-02. Review status: no assertion criteria provided. Collection method: clinical testing. Allele origin: germline. Affected: yes. Not counted in ClinVar's aggregate classification.

NM_000059.4(BRCA2):c.10152A>T (p.Arg3384=)

Gene: BRCA2 (BRCA2 DNA repair associated; plus strand). Cytogenetic location: 13q13.1.
Variant type: single nucleotide variant.
Coding change: c.10152A>T on transcript NM_000059.4 (MANE Select); coding-DNA position 10152, A replaced by T.
Protein change: p.Arg3384=; no amino-acid change (arginine 3384 retained).
Molecular consequence: synonymous variant.
Genome position (GRCh38, 1-based): chr13:32,398,665, A>T. VCF-style: chr13-32398665-A-T. GRCh37 (hg19) VCF-style: chr13-32972802-A-T.
Identifiers: ClinVar variation 427465 (VCV000427465.19), dbSNP rs747281144, ClinGen allele CA6941476.